The following is an entry in ClinVar:

NM_002838.5(PTPRC):c.1599G>A (p.Ser533=)

Gene: PTPRC (protein tyrosine phosphatase receptor type C; plus strand). Cytogenetic location: 1q32.1.
Variant type: single nucleotide variant.
Coding change: c.1599G>A on transcript NM_002838.5 (MANE Select); coding-DNA position 1599, G replaced by A.
Protein change: p.Ser533=; no amino-acid change (serine 533 retained).
Molecular consequence: synonymous variant.
Genome position (GRCh38, 1-based): chr1:198,718,242, G>A. VCF-style: chr1-198718242-G-A. GRCh37 (hg19) VCF-style: chr1-198687371-G-A.
Other names: c.1116G>A, p.Ser372= (NM_080921.4); c.1599G>A (NM_002838.4).
Identifiers: ClinVar variation 1146447 (VCV001146447.12), dbSNP rs372045826, ClinGen allele CA1314832.
Genomic context (GRCh38, chr1:198,718,242, plus strand): 5'-CCCCCATGAACGTTACCATTTGGAAGTTGAAGCTGGAAATACTCTGGTTAGAAATGAGTC[G>A]CATAAGAATTGCGATTTCCGTGTAAAAGATCTTCAATATTCAACAGACTACACTTTTAAG-3'
Protein context (NP_002829.3, residues 523-543): EAGNTLVRNE[Ser533=]HKNCDFRVKD

ClinVar aggregate classification (germline): Likely benign. Review status: criteria provided, multiple submitters, no conflicts (2 of 4 stars). 3 submissions from 3 submitters: Likely benign (2). 1 of the submissions does not count toward it. Last evaluated 2026-01-24.

Conditions:
PTPRC-related disorder. Also called: PTPRC-related condition.
Immunodeficiency 104. Also called: Severe combined immunodeficiency, autosomal recessive, T cell-negative, B cell-positive, NK cell-positive; Severe Combined Immune Deficiency, Autosomal Recessive, TCell -Negative, B Cell-Positive, NK Cell-Positive, IL7R-Related; SCID, AUTOSOMAL RECESSIVE, T CELL-NEGATIVE, B CELL-POSITIVE, NK CELL-POSITIVE; IMMUNODEFICIENCY 104, SEVERE COMBINED. Identifiers: MedGen C5676890, MONDO:0012163, OMIM 608971.

Allele frequency attached by ClinVar (database versions not stated): gnomAD exomes 0.00002 and 0.00004; ExAC 0.00003; gnomAD 0.00004 and 0.00005; ESP Exome Variant Server 0.00008.
gnomAD v4.1: 58 of 1,613,862 alleles (0.0036%); highest among the groups gnomAD compares: Admixed American, 0.0067%; no homozygotes.

Submissions (3):

Labcorp Genetics (formerly Invitae), Labcorp
Classification: Likely benign for Immunodeficiency 104. Last evaluated: 2026-01-24. Review status: criteria provided, single submitter. Criteria: Invitae Variant Classification Sherloc (09022015). Collection method: clinical testing. Allele origin: germline.

Blueprint Genetics
Classification: Likely benign. Last evaluated: 2023-05-25. Review status: criteria provided, single submitter. Criteria: ACMG Guidelines, 2015. Collection method: clinical testing. Allele origin: germline.

PreventionGenetics, part of Exact Sciences
Classification: Likely benign for PTPRC-related condition. Last evaluated: 2024-02-02. Review status: no assertion criteria provided. Collection method: clinical testing. Allele origin: germline. Not counted in ClinVar's aggregate classification.
Comment: This variant is classified as likely benign based on ACMG/AMP sequence variant interpretation guidelines (Richards et al. 2015 PMID: 25741868, with internal and published modifications).